The following is an entry in ClinVar:

ClinVar aggregate classification (germline): Uncertain significance (1 of 4 stars; one submission).

gnomAD v4.1: 5 of 1,542,696 alleles (0.00032%); highest among the groups gnomAD compares: Non-Finnish European, 0.00044%; no homozygotes.

Submission:

Ambry Genetics
Classification: Uncertain significance. Last evaluated: 2025-02-08. Review status: criteria provided, single submitter. Criteria: Ambry Variant Classification Scheme 2023. Collection method: clinical testing. Allele origin: germline.
Comment: The p.I141L variant (also known as c.421A>C), located in coding exon 4 of the RECQL gene, results from an A to C substitution at nucleotide position 421. The isoleucine at codon 141 is replaced by leucine, an amino acid with highly similar properties. This amino acid position is well conserved in available vertebrate species. In addition, this alteration is predicted to be tolerated by in silico analysis. Since supporting evidence is limited at this time, the clinical significance of this alteration remains unclear.

NM_002907.4(RECQL):c.421A>C (p.Ile141Leu)

Gene: RECQL (RecQ like helicase; minus strand). Cytogenetic location: 12p12.1.
Variant type: single nucleotide variant.
Coding change: c.421A>C on transcript NM_002907.4 (MANE Select); coding-DNA position 421, A replaced by C.
Protein change: p.Ile141Leu; replaces isoleucine 141 with leucine.
Molecular consequence: missense variant.
Genome position (GRCh38, 1-based): chr12:21,486,559, T>G on the plus strand (A>C on the coding strand, the complement: RECQL is on the minus strand). VCF-style: chr12-21486559-T-G. GRCh37 (hg19) VCF-style: chr12-21639493-T-G.
Other names: c.421A>C, p.Ile141Leu (NM_032941.3); short protein forms I141L.
Identifiers: ClinVar variation 1738802 (VCV001738802.4), dbSNP rs755644894, ClinGen allele CA6479080.